The following is an entry in ClinVar:

NM_020987.5(ANK3):c.1957T>C (p.Tyr653His)

Gene: ANK3 (ankyrin 3; minus strand). Cytogenetic location: 10q21.2.
Variant type: single nucleotide variant.
Coding change: c.1957T>C on transcript NM_020987.5 (MANE Select); coding-DNA position 1957, T replaced by C.
Protein change: p.Tyr653His; replaces tyrosine 653 with histidine.
Molecular consequence: missense variant.
Genome position (GRCh38, 1-based): chr10:60,186,843, A>G on the plus strand (T>C on the coding strand, the complement: ANK3 is on the minus strand). VCF-style: chr10-60186843-A-G. GRCh37 (hg19) VCF-style: chr10-61946601-A-G.
Other names: c.1939T>C, p.Tyr647His (NM_001204403.2); c.1906T>C, p.Tyr636His (NM_001204404.2); c.1957T>C, p.Tyr653His (NM_001320874.2); short protein forms Y636H, Y647H, Y653H.
Identifiers: ClinVar variation 5041173 (VCV005041173.1).

ClinVar aggregate classification (germline): Uncertain significance (1 of 4 stars; one submission).

gnomAD v4.1: 2 of 1,614,184 alleles (0.00012%); highest among the groups gnomAD compares: Non-Finnish European, 0.00017%; no homozygotes.

Submission:

CeGaT Center for Human Genetics Tuebingen
Classification: Uncertain significance. Last evaluated: 2026-09-01. Review status: criteria provided, single submitter. Criteria: CeGaT Center For Human Genetics Tuebingen Variant Classification Criteria Version 2. Collection method: clinical testing. Allele origin: germline. Affected: yes. Observed: 1 variant allele.
Comment: ANK3: PM2